The following is an entry in ClinVar:

NM_001270.4(CHD1):c.2614_2617del (p.Ile871_Asn872insTer)

Gene: CHD1 (chromodomain helicase DNA binding protein 1; minus strand). Cytogenetic location: 5q15.
Variant type: Deletion.
Coding change: c.2614_2617del on transcript NM_001270.4 (MANE Select); coding-DNA positions 2614 to 2617, 4 bases deleted (AATT; older notation c.2614_2617delAATT).
Protein change: p.Ile871_Asn872insTer.
Molecular consequence: nonsense. On other transcripts: non-coding transcript variant (2).
Genome position (GRCh38, 1-based): chr5:98,883,189-98,883,192, AATT deleted on the plus strand (AATT on the coding strand, the reverse complement: CHD1 is on the minus strand); deleting any 4 consecutive bases within chr5:98,883,189-98,883,195 gives the same sequence; the c. name uses the placement nearest the transcript's 3' end. VCF-style (leftmost placement, unchanged base first): chr5-98883188-AAATT-A. GRCh37 (hg19) VCF-style: chr5-98218892-AAATT-A.
Other names: c.2614_2617del, p.Ile871_Asn872insTer (NM_001364113.3, NM_001376194.2).
Identifiers: ClinVar variation 3603243 (VCV003603243.1).

ClinVar aggregate classification (germline): Uncertain significance (1 of 4 stars; one submission).

Submission:

GeneDx
Classification: Uncertain significance. Last evaluated: 2024-08-05. Review status: criteria provided, single submitter. Criteria: GeneDx Variant Classification Process June 2021. Collection method: clinical testing. Allele origin: germline. Affected: yes.
Comment: Nonsense variant predicted to result in protein truncation or nonsense mediated decay in a gene or region of a gene for which loss of function is not a well-established mechanism of disease; Not observed at significant frequency in large population cohorts (gnomAD); Has not been previously published as pathogenic or benign to our knowledge